The following is an entry in ClinVar:

NM_014704.4(CEP104):c.808A>T (p.Lys270Ter)

Gene: CEP104 (centrosomal protein 104; minus strand). Cytogenetic location: 1p36.32.
Variant type: single nucleotide variant.
Coding change: c.808A>T on transcript NM_014704.4 (MANE Select); coding-DNA position 808, A replaced by T.
Protein change: p.Lys270Ter; replaces lysine 270 with a stop codon.
Molecular consequence: nonsense.
Genome position (GRCh38, 1-based): chr1:3,839,047, T>A on the plus strand (A>T on the coding strand, the complement: CEP104 is on the minus strand). VCF-style: chr1-3839047-T-A. GRCh37 (hg19) VCF-style: chr1-3755611-T-A.
Other names: short protein forms K270*.
Identifiers: ClinVar variation 3583724 (VCV003583724.4).

ClinVar aggregate classification (germline): Pathogenic/Likely pathogenic. Review status: criteria provided, multiple submitters, no conflicts (2 of 4 stars). 3 submissions from 3 submitters: Pathogenic (1); Likely pathogenic (2). Last evaluated 2025-12-28.

Conditions:
Intellectual developmental disorder, autosomal recessive 77 (MRT77). Identifiers: MedGen C5774193, MONDO:0031031, OMIM 619988.
Joubert syndrome 25 (JBTS25). Identifiers: Orphanet 475, MedGen C4084842, MONDO:0014770, OMIM 616781.
Autosomal recessive CEP104-related disorders.

Submissions (3):

Variantyx, Inc.
Classification: Likely pathogenic for Autosomal recessive CEP104-related disorders. Last evaluated: 2025-12-28. Review status: criteria provided, single submitter. Criteria: Variantyx Assertion Criteria 2022. Collection method: clinical testing. Allele origin: germline. Inheritance: Autosomal recessive inheritance.
Comment: This is a nonsense variant in the CEP104 gene (OMIM: 616690). Pathogenic variants in this gene have been associated with autosomal recessive CEP1-4-related disorders. This variant is absent from control populations (PM2) and it has not been reported in the literature in individuals affected with CEP104-related conditions. The alteration creates a premature stop codon in exon 8 of 22, resulting in a severely truncated protein that is subject to nonsense-mediated decay (NMD). Loss-of-function variants in CEP104 are known to be pathogenic (PMID: 26477546). Based on this evidence, this variant has been classified as likely pathogenic for autosomal recessive CEP104-related disorders,

Labcorp Genetics (formerly Invitae), Labcorp
Classification: Pathogenic for Joubert syndrome 25. Last evaluated: 2025-01-28. Review status: criteria provided, single submitter. Criteria: Invitae Variant Classification Sherloc (09022015). Collection method: clinical testing. Allele origin: germline.
Comment: This sequence change creates a premature translational stop signal (p.Lys270*) in the CEP104 gene. It is expected to result in an absent or disrupted protein product. Loss-of-function variants in CEP104 are known to be pathogenic (PMID: 26477546). This variant is not present in population databases (gnomAD no frequency). This variant has not been reported in the literature in individuals affected with CEP104-related conditions. For these reasons, this variant has been classified as Pathogenic.

Fulgent Genetics
Classification: Likely pathogenic for Joubert syndrome 25; Intellectual developmental disorder, autosomal recessive 77. Last evaluated: 2024-01-30. Review status: criteria provided, single submitter. Criteria: ACMG Guidelines, 2015. Collection method: clinical testing. Allele origin: germline.

Literature cited by the submitters: PubMed 26477546 (cited by Variantyx, Inc. and Labcorp Genetics (formerly Invitae), Labcorp).